The following is an entry in ClinVar:

ClinVar aggregate classification (germline): Likely benign. Review status: criteria provided, multiple submitters, no conflicts (2 of 4 stars). 2 submissions from 2 submitters: Likely benign (2). Last evaluated 2024-11-01.

Conditions:
Early-infantile DEE. Also called: Ohtahara syndrome; Early infantile epileptic encephalopathy; Early infantile epileptic encephalopathy with suppression bursts. Identifiers: Orphanet 1934, MedGen C0393706, MONDO:0800491.

Allele frequency attached by ClinVar (database versions not stated): TOPMed 0.00001; gnomAD 0.00002 and 0.00003; gnomAD exomes 0.00006.
gnomAD v4.1: 94 of 1,601,656 alleles (0.0059%); highest among the groups gnomAD compares: Non-Finnish European, 0.0076%; no homozygotes.

Submissions (2):

CeGaT Center for Human Genetics Tuebingen
Classification: Likely benign. Last evaluated: 2024-11-01. Review status: criteria provided, single submitter. Criteria: CeGaT Center For Human Genetics Tuebingen Variant Classification Criteria Version 2. Collection method: clinical testing. Allele origin: germline. Affected: yes. Observed: 1 variant allele.
Comment: SLC25A22: BP4, BP7

Labcorp Genetics (formerly Invitae), Labcorp
Classification: Likely benign for Early-infantile DEE. Last evaluated: 2024-02-05. Review status: criteria provided, single submitter. Criteria: Invitae Variant Classification Sherloc (09022015). Collection method: clinical testing. Allele origin: germline.

NM_001191061.2(SLC25A22):c.849C>T (p.Ala283=)

Gene: SLC25A22 (solute carrier family 25 member 22; minus strand). Cytogenetic location: 11p15.5.
Variant type: single nucleotide variant.
Coding change: c.849C>T on transcript NM_001191061.2 (MANE Select); coding-DNA position 849, C replaced by T.
Protein change: p.Ala283=; no amino-acid change (alanine 283 retained).
Molecular consequence: synonymous variant.
Genome position (GRCh38, 1-based): chr11:792,038, G>A on the plus strand (C>T on the coding strand, the complement: SLC25A22 is on the minus strand). VCF-style: chr11-792038-G-A. GRCh37 (hg19) VCF-style: chr11-792038-G-A.
Other names: c.849C>T, p.Ala283= (NM_001191060.2, NM_024698.6).
Identifiers: ClinVar variation 1132129 (VCV001132129.23), dbSNP rs1429166947, ClinGen allele CA472438543.